The following is an entry in ClinVar:

NM_001042492.3(NF1):c.329T>G (p.Val110Gly)

Gene: NF1 (neurofibromin 1; plus strand). Cytogenetic location: 17q11.2.
Variant type: single nucleotide variant.
Coding change: c.329T>G on transcript NM_001042492.3 (MANE Select); coding-DNA position 329, T replaced by G.
Protein change: p.Val110Gly; replaces valine 110 with glycine.
Molecular consequence: missense variant.
Genome position (GRCh38, 1-based): chr17:31,163,226, T>G. VCF-style: chr17-31163226-T-G. GRCh37 (hg19) VCF-style: chr17-29490244-T-G.
Other names: c.329T>G, p.Val110Gly (NM_000267.4, NM_001128147.3); short protein forms V110G.
Identifiers: ClinVar variation 3404583 (VCV003404583.1).

ClinVar aggregate classification (germline): Uncertain significance (1 of 4 stars; one submission).

Conditions:
Hereditary cancer-predisposing syndrome. Also called: Hereditary Cancer Syndrome; Tumor predisposition; Hereditary neoplastic syndrome; Neoplastic Syndromes, Hereditary. Identifiers: Orphanet 140162, MedGen C0027672, MeSH D009386, MONDO:0015356.
Cardiovascular phenotype. Identifiers: MedGen CN230736.

Submission:

Ambry Genetics
Classification: Uncertain significance for Cardiovascular phenotype; Hereditary cancer-predisposing syndrome. Last evaluated: 2024-09-15. Review status: criteria provided, single submitter. Criteria: Ambry Variant Classification Scheme 2023. Collection method: clinical testing. Allele origin: germline.
Comment: The p.V110G variant (also known as c.329T>G), located in coding exon 4 of the NF1 gene, results from a T to G substitution at nucleotide position 329. The valine at codon 110 is replaced by glycine, an amino acid with dissimilar properties. This amino acid position is conserved. In addition, this alteration is predicted to be deleterious by in silico analysis. Based on the available evidence, the clinical significance of this variant remains unclear.